The following is an entry in ClinVar:

NM_001267550.2(TTN):c.99906_99916del (p.Leu33304fs)

Genes: TTN-AS1 (TTN antisense RNA 1; plus strand), TTN (titin; minus strand), LOC126806420 (BRD4-independent group 4 enhancer GRCh37_chr2:179401104-179402303; plus strand). Cytogenetic location: 2q31.2.
Variant type: Deletion.
Coding change: c.99906_99916del on transcript NM_001267550.2 (MANE Select); coding-DNA positions 99906 to 99916, 11 bases deleted (TCTATTGAAGA).
Protein change: p.Leu33304fs; shifts the reading frame from leucine 33304.
Molecular consequence: frameshift variant.
Genome position (GRCh38, 1-based): chr2:178,537,193-178,537,203, TCTTCAATAGA deleted on the plus strand (TCTATTGAAGA on the coding strand, the reverse complement: TTN is on the minus strand). VCF-style (leftmost placement, unchanged base first): chr2-178537192-TTCTTCAATAGA-T. GRCh37 (hg19) VCF-style: chr2-179401919-TTCTTCAATAGA-T.
Other names: c.94983_94993del, p.Leu31663fs (NM_001256850.1); c.72711_72721del, p.Leu24239fs (NM_003319.4); c.92202_92212del, p.Leu30736fs (NM_133378.4); c.73086_73096del, p.Leu24364fs (NM_133432.3); c.73287_73297del, p.Leu24431fs (NM_133437.4); short protein forms L24239fs, L24431fs, L30736fs, L31663fs, L24364fs, L33304fs.
Identifiers: ClinVar variation 2932832 (VCV002932832.3), dbSNP rs2468659895, ClinGen allele CA2740096324.
Genomic context (GRCh38, chr2:178,537,192, plus strand): 5'-TAGTTGGTGATCCAGGAGCCTCCGTCATCTGCGGGTGGTTTCCAGCTGATCACTGCGGAG[TTCTTCAATAGA>T]GCTTCGATCACAATTGGTCCTGTAGGTTTGTCTGGTTTATCTGTTGGGGGAAAATACAAT-3'

ClinVar aggregate classification (germline): Likely pathogenic (1 of 4 stars; one submission).

Conditions:
Autosomal recessive limb-girdle muscular dystrophy type 2J (LGMDR10). Also called: Limb-girdle muscular dystrophy, type 2J; MUSCULAR DYSTROPHY, LIMB-GIRDLE, AUTOSOMAL RECESSIVE 10. Identifiers: Orphanet 140922, MedGen C1837342, MONDO:0012127, OMIM 608807.
Dilated cardiomyopathy 1G (CMD1G). Identifiers: Orphanet 154, MedGen C1858763, MONDO:0011400, OMIM 604145.

Submission:

Labcorp Genetics (formerly Invitae), Labcorp
Classification: Likely pathogenic for Dilated cardiomyopathy 1G; Autosomal recessive limb-girdle muscular dystrophy type 2J. Last evaluated: 2024-05-31. Review status: criteria provided, single submitter. Criteria: Invitae Variant Classification Sherloc (09022015). Collection method: clinical testing. Allele origin: germline.
Comment: This sequence change creates a premature translational stop signal (p.Leu33304Argfs*11) in the TTN gene. While this is not anticipated to result in nonsense mediated decay, it is expected to create a truncated TTN protein. This variant is not present in population databases (gnomAD no frequency). This variant has not been reported in the literature in individuals affected with TTN-related conditions. This variant is located in the A band of TTN (PMID: 25589632). Truncating variants in this region are significantly overrepresented in patients affected with dilated cardiomyopathy (PMID: 25589632). Truncating variants in this region have also been reported in individuals affected with autosomal recessive centronuclear myopathy (PMID: 23975875). In summary, the currently available evidence indicates that the variant is pathogenic, but additional data are needed to prove that conclusively. Therefore, this variant has been classified as Likely Pathogenic.

Literature cited by the submitters: PubMed 25589632; PubMed 23975875.